The following is an entry in ClinVar:

NM_012334.3(MYO10):c.3622C>T (p.Arg1208Cys)

Gene: MYO10 (myosin X; minus strand). Cytogenetic location: 5p15.1.
Variant type: single nucleotide variant.
Coding change: c.3622C>T on transcript NM_012334.3 (MANE Select); coding-DNA position 3622, C replaced by T.
Protein change: p.Arg1208Cys; replaces arginine 1208 with cysteine.
Molecular consequence: missense variant.
Genome position (GRCh38, 1-based): chr5:16,694,549, G>A on the plus strand (C>T on the coding strand, the complement: MYO10 is on the minus strand). VCF-style: chr5-16694549-G-A. GRCh37 (hg19) VCF-style: chr5-16694658-G-A.
Other names: short protein forms R1208C.
Identifiers: ClinVar variation 4832640 (VCV004832640.1).
Genomic context (GRCh38, chr5:16,694,549, plus strand): 5'-TGGAGGAGCCCCCCCCTTTTTTGTGGAGCCAGCCTTGCTTGAGGGCCTCCTGCTTGGAGC[G>A]GAACCACAAGAAGGTTTCATCCTTGAGGACGCACCAGCGGCGTTTCCAAGAGTTCATCAG-3'
Protein context (NP_036466.2, residues 1198-1218): VLKDETFLWF[Arg1208Cys]SKQEALKQGW

ClinVar aggregate classification (germline): Uncertain significance (1 of 4 stars; one submission).

gnomAD v4.1: 14 of 1,613,844 alleles (0.00087%); highest among the groups gnomAD compares: Middle Eastern, 0.033%; no homozygotes.

Submission:

Ambry Genetics
Classification: Uncertain significance. Last evaluated: 2026-01-14. Review status: criteria provided, single submitter. Criteria: Ambry Variant Classification Scheme 2023. Collection method: clinical testing. Allele origin: germline.
Comment: The c.3622C>T (p.R1208C) alteration is located in exon 27 (coding exon 27) of the MYO10 gene. This alteration results from a C to T substitution at nucleotide position 3622, causing the arginine (R) at amino acid position 1208 to be replaced by a cysteine (C). Based on data from gnomAD, the T allele has an overall frequency of 0.001% (2/249138) total alleles studied. The highest observed frequency was 0.007% (1/15482) of African alleles. Based on insufficient or conflicting evidence, the clinical significance of this alteration remains unclear.